The following is an entry in ClinVar:

ClinVar aggregate classification (germline): Uncertain significance (1 of 4 stars; one submission).

Conditions:
Intellectual disability-strabismus syndrome (NEDBGF). Also called: NEURODEVELOPMENTAL DISORDER WITH BRAIN ABNORMALITIES, POOR GROWTH, AND DYSMORPHIC FACIES. Identifiers: Orphanet 363528, MedGen C4750838, MONDO:0014119, OMIM 615286.

Allele frequency attached by ClinVar (database versions not stated): TOPMed 0.00012; gnomAD 0.00015; ExAC 0.00032.
gnomAD v4.1: 245 of 1,534,780 alleles (0.016%); highest among the groups gnomAD compares: Non-Finnish European, 0.02%; 1 homozygote.

Submission:

MGZ Medical Genetics Center
Classification: Uncertain significance for Intellectual disability-strabismus syndrome. Last evaluated: 2022-01-20. Review status: criteria provided, single submitter. Criteria: ACMG Guidelines, 2015. Collection method: clinical testing. Allele origin: germline. Affected: yes. Observed: 1 variant allele.
Comment: ACMG criteria applied: PM2_SUP

NM_138422.4(ADAT3):c.292C>G (p.Arg98Gly)

Genes: ADAT3 (adenosine deaminase tRNA specific 3; plus strand), SCAMP4 (secretory carrier membrane protein 4; plus strand). Cytogenetic location: 19p13.3.
Variant type: single nucleotide variant.
Coding change: c.292C>G on transcript NM_138422.4 (MANE Select); coding-DNA position 292, C replaced by G.
Protein change: p.Arg98Gly; replaces arginine 98 with glycine.
Molecular consequence: missense variant. On other transcripts: intron variant (3).
Genome position (GRCh38, 1-based): chr19:1,912,339, C>G. VCF-style: chr19-1912339-C-G. GRCh37 (hg19) VCF-style: chr19-1912338-C-G.
Other names: c.244C>G, p.Arg82Gly (NM_001329533.2); c.-41-2640C>G (NM_079834.4, NM_001329540.2); c.-125-5355C>G (NM_001329539.2); short protein forms R82G, R98G.
Identifiers: ClinVar variation 1709097 (VCV001709097.2), dbSNP rs774805201, ClinGen allele CA9054534.
Genomic context (GRCh38, chr19:1,912,339, plus strand): 5'-GAGGTGTCGGCCCTGCACCCGCTCCCCGCCCAGCCTCACCTCAAGCGGGTGCGGCCCAGC[C>G]GCGATGCCGGCAGCCCCCACGCCCTGGAGATGCTGCTTTGCCTGGCTGGGCCGGCCTCGG-3'
Protein context (NP_612431.2, residues 88-108): QPHLKRVRPS[Arg98Gly]DAGSPHALEM